The following is an entry in ClinVar:

NM_018406.7(MUC4):c.9629C>T (p.Ser3210Phe)

Gene: MUC4 (mucin 4, cell surface associated). Cytogenetic location: 3q29.
Variant type: single nucleotide variant.
Coding change: c.9629C>T on transcript NM_018406.7 (MANE Select); coding-DNA position 9629, C replaced by T.
Protein change: p.Ser3210Phe; replaces serine 3210 with phenylalanine.
Molecular consequence: missense variant. On other transcripts: intron variant (2).
Genome position (GRCh38, 1-based): chr3:195,781,951, G>A on the plus strand (C>T on the coding strand, the complement: MUC4 is on the minus strand). VCF-style: chr3-195781951-G-A. GRCh37 (hg19) VCF-style: chr3-195508822-G-A.
Other names: c.83-7646C>T (NM_138297.5); c.83-3496C>T (NM_004532.6); short protein forms S3210F.
Identifiers: ClinVar variation 4533792 (VCV004533792.6).

ClinVar aggregate classification (germline): Likely benign (1 of 4 stars; one submission).

gnomAD v4.1: 281 of 1,449,556 alleles (0.019%); highest among the groups gnomAD compares: African/African-American, 0.42%; 20 homozygotes.

Submission:

CeGaT Center for Human Genetics Tuebingen
Classification: Likely benign. Last evaluated: 2025-10-01. Review status: criteria provided, single submitter. Criteria: CeGaT Center For Human Genetics Tuebingen Variant Classification Criteria Version 2. Collection method: clinical testing. Allele origin: germline. Affected: yes. Observed: 1 variant allele.
Comment: MUC4: BS2